The following is an entry in ClinVar:

ClinVar aggregate classification (germline): Conflicting classifications of pathogenicity. Review status: criteria provided, conflicting classifications (1 of 4 stars). 3 submissions from 3 submitters: Uncertain significance (1); Likely benign (2). Last evaluated 2025-12-16.

Conditions:
DYNC1H1-related disorder. Also called: DYNC1H1-related disorders; DYNC1H1-related condition. Identifiers: MedGen CN381529.
Inborn genetic diseases. Identifiers: MedGen C0950123, MeSH D030342.
Charcot-Marie-Tooth disease axonal type 2O. Also called: CHARCOT-MARIE-TOOTH NEUROPATHY, AXONAL, TYPE 2O; CHARCOT-MARIE-TOOTH DISEASE, AXONAL, AUTOSOMAL DOMINANT, TYPE 2O; Charcot-Marie-Tooth Neuropathy Type 2O; Charcot-Marie-Tooth disease, axonal, type 20. Identifiers: Orphanet 284232, MedGen C3280220, MONDO:0013644, OMIM 614228.

Allele frequency attached by ClinVar (database versions not stated): ExAC 0.00001; gnomAD 0.00001; gnomAD exomes 0.00001; 1000 Genomes Project 0.00020; 1000 Genomes Project 30x 0.00031.
gnomAD v4.1: 12 of 1,614,186 alleles (0.00074%); highest among the groups gnomAD compares: Admixed American, 0.0017%; no homozygotes.

Submissions (3):

Labcorp Genetics (formerly Invitae), Labcorp
Classification: Likely benign for Charcot-Marie-Tooth disease axonal type 2O. Last evaluated: 2025-12-16. Review status: criteria provided, single submitter. Criteria: Invitae Variant Classification Sherloc (09022015). Collection method: clinical testing. Allele origin: germline.

PreventionGenetics, part of Exact Sciences
Classification: Uncertain significance for DYNC1H1-related condition. Last evaluated: 2025-09-10. Review status: criteria provided, single submitter. Criteria: ACMG Guidelines, 2015. Collection method: clinical testing. Allele origin: germline.
Comment: The DYNC1H1 c.13898G>A variant is predicted to result in the amino acid substitution p.Arg4633His. To our knowledge, this variant has not been reported in the literature. This variant is reported in 0.0080% of alleles in individuals of African descent in gnomAD. At this time, the clinical significance of this variant is uncertain due to the absence of conclusive functional and genetic evidence.

Ambry Genetics
Classification: Likely benign for Inborn genetic diseases. Last evaluated: 2023-11-08. Review status: criteria provided, single submitter. Criteria: Ambry Variant Classification Scheme 2023. Collection method: clinical testing. Allele origin: germline.

Literature cited by the submitters: PubMed 36413997 (cited by Ambry Genetics).

NM_001376.5(DYNC1H1):c.13898G>A (p.Arg4633His)

Gene: DYNC1H1 (dynein cytoplasmic 1 heavy chain 1; plus strand). Cytogenetic location: 14q32.31.
Variant type: single nucleotide variant.
Coding change: c.13898G>A on transcript NM_001376.5 (MANE Select); coding-DNA position 13898, G replaced by A.
Protein change: p.Arg4633His; replaces arginine 4633 with histidine.
Molecular consequence: missense variant.
Genome position (GRCh38, 1-based): chr14:102,050,520, G>A. VCF-style: chr14-102050520-G-A. GRCh37 (hg19) VCF-style: chr14-102516857-G-A.
Other names: short protein forms R4633H.
Identifiers: ClinVar variation 3086431 (VCV003086431.4), dbSNP rs566253677, ClinGen allele CA7354391.